The following is an entry in ClinVar:

NM_178857.6(RP1L1):c.4788C>T (p.Thr1596=)

Gene: RP1L1 (RP1 like 1). Cytogenetic location: 8p23.1.
Variant type: single nucleotide variant.
Coding change: c.4788C>T on transcript NM_178857.6 (MANE Select); coding-DNA position 4788, C replaced by T.
Protein change: p.Thr1596=; no amino-acid change (threonine 1596 retained).
Molecular consequence: synonymous variant.
Genome position (GRCh38, 1-based): chr8:10,609,310, G>A on the plus strand (C>T on the coding strand, the complement: RP1L1 is on the minus strand). VCF-style: chr8-10609310-G-A. GRCh37 (hg19) VCF-style: chr8-10466820-G-A.
Identifiers: ClinVar variation 911125 (VCV000911125.7), dbSNP rs536918805, ClinGen allele CA4623890.

ClinVar aggregate classification (germline): Benign/Likely benign. Review status: criteria provided, multiple submitters, no conflicts (2 of 4 stars). 4 submissions from 4 submitters: Benign (2); Likely benign (2). Last evaluated 2026-09-15.

Conditions:
RP1L1-related disorder. Also called: RP1L1-related condition.
Occult macular dystrophy (OCMD). Also called: OCCULT MACULAR DYSTROPHY, SUSCEPTIBILITY TO; OMD. Identifiers: Orphanet 247834, MedGen C3150833, MONDO:0013316, OMIM 613587, HP:0030636.

Allele frequency attached by ClinVar (database versions not stated): TOPMed 0.00002; gnomAD 0.00003 and 0.00007; gnomAD exomes 0.00014; 1000 Genomes Project 30x 0.00047; 1000 Genomes Project 0.00060.
gnomAD v4.1: 202 of 1,611,502 alleles (0.013%); highest among the groups gnomAD compares: South Asian, 0.2%; 1 homozygote.

Submissions (4):

PreventionGenetics, part of Exact Sciences
Classification: Likely benign for RP1L1-related condition. Last evaluated: 2026-09-15. Review status: criteria provided, single submitter. Criteria: ACMG Guidelines, 2015. Collection method: clinical testing. Allele origin: germline.
Comment: This variant is classified as likely benign based on ACMG/AMP sequence variant interpretation guidelines (Richards et al. 2015 PMID: 25741868, with internal and published modifications).

Blueprint Genetics
Classification: Likely benign. Last evaluated: 2024-09-10. Review status: criteria provided, single submitter. Criteria: ACMG Guidelines, 2015. Collection method: clinical testing. Allele origin: germline.

Illumina Laboratory Services, Illumina
Classification: Benign for Occult macular dystrophy. Last evaluated: 2018-01-13. Review status: criteria provided, single submitter. Criteria: ICSL Variant Classification Criteria 13 December 2019. Collection method: clinical testing. Allele origin: germline.
Comment: This variant was observed in the ICSL laboratory as part of a predisposition screen in an ostensibly healthy population. It had not been previously curated by ICSL or reported in the Human Gene Mutation Database (HGMD: prior to June 1st, 2018), and was therefore a candidate for classification through an automated scoring system. Utilizing variant allele frequency, disease prevalence and penetrance estimates, and inheritance mode, an automated score was calculated to assess if this variant is too frequent to cause the disease. Based on the score and internal cut-off values, a variant classified as benign is not then subjected to further curation. The score for this variant resulted in a classification of benign for this disease.

Breakthrough Genomics
Classification: Benign. Review status: criteria provided, single submitter. Criteria: ACMG Guidelines, 2015. Collection method: not provided. Allele origin: germline. Inheritance: Autosomal recessive inheritance. Affected: yes.